The following is an entry in ClinVar:

ClinVar aggregate classification (germline): Uncertain significance (1 of 4 stars; one submission).

Conditions:
Hereditary spastic paraplegia 11. Also called: Spastic Paraplegia 11; Nakamura Osame syndrome; Autosomal recessive hereditary spastic paraplegia, mental impairment, and thin corpus callosum; SPASTIC PARAPLEGIA, AUTOSOMAL RECESSIVE, COMPLICATED, WITH THIN CORPUS CALLOSUM; SPASTIC PARAPLEGIA, AUTOSOMAL RECESSIVE, WITH MENTAL IMPAIRMENT AND THIN CORPUS CALLOSUM; Spastic paraplegia, mental retardation and thin corpus callosum. Identifiers: Orphanet 2822, MedGen C1858479, MONDO:0011445, OMIM 604360.

Submission:

Labcorp Genetics (formerly Invitae), Labcorp
Classification: Uncertain significance for Hereditary spastic paraplegia 11. Last evaluated: 2021-11-29. Review status: criteria provided, single submitter. Criteria: Invitae Variant Classification Sherloc (09022015). Collection method: clinical testing. Allele origin: germline.
Comment: This variant has not been reported in the literature in individuals affected with SPG11-related conditions. In summary, the available evidence is currently insufficient to determine the role of this variant in disease. Therefore, it has been classified as a Variant of Uncertain Significance. Algorithms developed to predict the effect of missense changes on protein structure and function are either unavailable or do not agree on the potential impact of this missense change (SIFT: "Deleterious"; PolyPhen-2: "Probably Damaging"; Align-GVGD: "Class C0"). This variant is not present in population databases (gnomAD no frequency). This sequence change replaces leucine, which is neutral and non-polar, with methionine, which is neutral and non-polar, at codon 2223 of the SPG11 protein (p.Leu2223Met).

NM_025137.4(SPG11):c.6667C>A (p.Leu2223Met)

Gene: SPG11 (SPG11 vesicle trafficking associated, spatacsin; minus strand). Cytogenetic location: 15q21.1.
Variant type: single nucleotide variant.
Coding change: c.6667C>A on transcript NM_025137.4 (MANE Select); coding-DNA position 6667, C replaced by A.
Protein change: p.Leu2223Met; replaces leucine 2223 with methionine.
Molecular consequence: missense variant.
Genome position (GRCh38, 1-based): chr15:44,567,511, G>T on the plus strand (C>A on the coding strand, the complement: SPG11 is on the minus strand). VCF-style: chr15-44567511-G-T. GRCh37 (hg19) VCF-style: chr15-44859709-G-T.
Other names: c.6328C>A, p.Leu2110Met (NM_001160227.2); short protein forms L2110M, L2223M.
Identifiers: ClinVar variation 1467209 (VCV001467209.6), dbSNP rs2140917102, ClinGen allele CA392215075.
Genomic context (GRCh38, chr15:44,567,511, plus strand): 5'-GTTGGATGCGGGCAGCTGCCTCGTGGTTCTCGCCAATCTCCCGGCACATGCTGAAGCACA[G>T]GGCAATCATATTGTGCTTTTCACTGTCTCCAGGACGGCAGCGTTTGATGTAGTCCAGCAG-3'
Protein context (NP_079413.3, residues 2213-2233): GDSEKHNMIA[Leu2223Met]CFSMCREIGE